The following is an entry in ClinVar:

NM_001942.4(DSG1):c.1762G>C (p.Glu588Gln)

Genes: DSG1 (desmoglein 1; plus strand), DSG1-AS1 (DSG1 antisense RNA 1; minus strand). Cytogenetic location: 18q12.1.
Variant type: single nucleotide variant.
Coding change: c.1762G>C on transcript NM_001942.4 (MANE Select); coding-DNA position 1762, G replaced by C.
Protein change: p.Glu588Gln; replaces glutamic acid 588 with glutamine.
Molecular consequence: missense variant. On other transcripts: non-coding transcript variant (2).
Genome position (GRCh38, 1-based): chr18:31,343,524, G>C. VCF-style: chr18-31343524-G-C. GRCh37 (hg19) VCF-style: chr18-28923487-G-C.
Other names: short protein forms E588Q.
Identifiers: ClinVar variation 1426707 (VCV001426707.5), dbSNP rs200028630, ClinGen allele CA8926166.
Genomic context (GRCh38, chr18:31,343,524, plus strand): 5'-ATGATCTGTTGTGATTGTGGAGGTGCTCCTCGTAGTGCAGCTGGCTTTGAGCCTGTTCCC[G>C]AATGTTCAGATGGAGCAATTCATTCATGGGCAGTAGAAGGACCACAGCCTGAACCCAGGG-3'
Protein context (NP_001933.2, residues 578-598): RSAAGFEPVP[Glu588Gln]CSDGAIHSWA

ClinVar aggregate classification (germline): Uncertain significance (1 of 4 stars; one submission).

gnomAD v4.1: 66 of 1,613,974 alleles (0.0041%); highest among the groups gnomAD compares: East Asian, 0.0089%; no homozygotes.

Submission:

Labcorp Genetics (formerly Invitae), Labcorp
Classification: Uncertain significance. Last evaluated: 2024-03-21. Review status: criteria provided, single submitter. Criteria: Invitae Variant Classification Sherloc (09022015). Collection method: clinical testing. Allele origin: germline.
Comment: This sequence change replaces glutamic acid, which is acidic and polar, with glutamine, which is neutral and polar, at codon 588 of the DSG1 protein (p.Glu588Gln). This variant is present in population databases (rs200028630, gnomAD 0.03%). This variant has not been reported in the literature in individuals affected with DSG1-related conditions. ClinVar contains an entry for this variant (Variation ID: 1426707). Advanced modeling of protein sequence and biophysical properties (such as structural, functional, and spatial information, amino acid conservation, physicochemical variation, residue mobility, and thermodynamic stability) performed at Invitae indicates that this missense variant is not expected to disrupt DSG1 protein function with a negative predictive value of 80%. Algorithms developed to predict the effect of sequence changes on RNA splicing suggest that this variant may disrupt the consensus splice site. In summary, the available evidence is currently insufficient to determine the role of this variant in disease. Therefore, it has been classified as a Variant of Uncertain Significance.